The following is an entry in ClinVar:

NM_000260.4(MYO7A):c.6377del (p.Pro2126fs)

Gene: MYO7A (myosin VIIA; plus strand). Cytogenetic location: 11q13.5.
Variant type: Deletion.
Coding change: c.6377del on transcript NM_000260.4 (MANE Select); coding-DNA position 6377, one base deleted (C; older notation c.6377delC).
Protein change: p.Pro2126fs; shifts the reading frame from proline 2126.
Molecular consequence: frameshift variant.
Genome position (GRCh38, 1-based): chr11:77,212,974, C deleted; the last of 3 consecutive C bases (chr11:77,212,972-77,212,974); deleting any one gives the same sequence. VCF-style (leftmost placement, unchanged base first): chr11-77212971-TC-T. GRCh37 (hg19) VCF-style: chr11-76924016-TC-T.
Other names: c.6257del, p.Pro2086fs (NM_001127180.2); c.6230del, p.Pro2077fs (NM_001369365.1); c.6377del (NM_000260.3); short protein forms P2077fs, P2086fs, P2126fs.
Identifiers: ClinVar variation 1333582 (VCV001333582.11), dbSNP rs2135798786, ClinGen allele CA2573053571.

ClinVar aggregate classification (germline): Pathogenic. Review status: criteria provided, multiple submitters, no conflicts (2 of 4 stars). 4 submissions from 4 submitters: Pathogenic (4). Last evaluated 2024-11-08.

Conditions:
Usher syndrome type 1 (USH1). Also called: RETINITIS PIGMENTOSA AND CONGENITAL DEAFNESS. Identifiers: Orphanet 231169, Orphanet 886, MedGen C1568247, MONDO:0010168, OMIM 276900.
Hearing loss, autosomal recessive. Also called: Autosomal recessive nonsyndromic deafness; Rare autosomal recessive non-syndromic sensorineural deafness type DFNB; Nonsyndromic Hearing Loss, Recessive; Deafness, autosomal recessive. Identifiers: Orphanet 90635, Orphanet 90636, MedGen C1846647, MONDO:0019588, OMIM 607197.

Submissions (4):

Center for Statistical Genetics, Columbia University
Classification: Pathogenic for Hearing loss, autosomal recessive. Last evaluated: 2024-11-08. Review status: criteria provided, single submitter. Criteria: ACMG Guidelines, 2015. Collection method: research. Allele origin: germline. Inheritance: Autosomal recessive inheritance. Affected: yes. Observed: 2 homozygotes.

Labcorp Genetics (formerly Invitae), Labcorp
Classification: Pathogenic. Last evaluated: 2023-11-01. Review status: criteria provided, single submitter. Criteria: Invitae Variant Classification Sherloc (09022015). Collection method: clinical testing. Allele origin: germline.
Comment: This sequence change creates a premature translational stop signal (p.Pro2126Leufs*5) in the MYO7A gene. It is expected to result in an absent or disrupted protein product. Loss-of-function variants in MYO7A are known to be pathogenic (PMID: 8900236, 25404053). This variant is not present in population databases (gnomAD no frequency). This premature translational stop signal has been observed in individual(s) with autosomal recessive Usher syndrome (PMID: 22135276, 26469752). ClinVar contains an entry for this variant (Variation ID: 1333582). For these reasons, this variant has been classified as Pathogenic.

Ramesar Group, Division of Human Genetics, Institute of Infectious Diseases and Molecular Medicine, UCT/MRC Genomic and Precision Medicine Research Unit, University of Cape Town
Classification: Pathogenic for Usher syndrome type 1. Last evaluated: 2022-11-02. Review status: criteria provided, single submitter. Criteria: ACMG Guidelines, 2015. Collection method: research. Allele origin: biparental. Inheritance: Autosomal recessive inheritance. Affected: yes. Observed: 18 variant alleles, 8 heterozygotes, 10 homozygotes. Clinical features observed: Sensorineural hearing loss disorder (HP:0000407), Visual impairment (HP:0000505).
Comment: This homozygous MYO7A mutation was identified in 6 indigenous African families in South Africa with Usher syndrome. Ten homozygous cases were found, the majority of which (60%) were diagnosed clinically with Type 2 USH. All homozygotes shared a common haplotype. This mutation does not appear to cause nonsyndromic vision loss. This variant was classified as pathogenic using the ACMG guidelines as follows: PVS1: Null variant in a gene where loss of function is a known mechanism of disease PM2_Supporting: Extremely low frequency in gnomAD population databases PP1_Strong: Cosegregation with disease in multiple family members, in multiple families, in a gene definitively known to cause the disease. PP5: ClinVar IDs 1333582

3billion
Classification: Pathogenic for Usher syndrome type 1. Last evaluated: 2022-01-03. Review status: criteria provided, single submitter. Criteria: ACMG Guidelines, 2015. Collection method: clinical testing. Allele origin: germline. Affected: yes. Observed: 1 heterozygote.
Comment: The variant has been reported to be associated with MYO7A related disorder (PMID:22135276). Frameshift: predicted to result in a loss or disruption of normal protein function through nonsense-mediated decay (NMD) or protein truncation. Multiple pathogenic variants are reported downstream of the variant (PVS1_VS). It is not observed in the gnomAD v2.1.1 dataset (PM2_M). Therefore, this variant is classified as pathogenic according to the recommendation of ACMG/AMP guideline.

Literature cited by the submitters: PubMed 8900236 (cited by Labcorp Genetics (formerly Invitae), Labcorp); PubMed 25404053 (cited by Labcorp Genetics (formerly Invitae), Labcorp); PubMed 22135276 (cited by Labcorp Genetics (formerly Invitae), Labcorp and 3billion); PubMed 26469752 (cited by Labcorp Genetics (formerly Invitae), Labcorp and Ramesar Group, Division of Human Genetics, Institute of Infectious Diseases and Molecular Medicine, UCT/MRC Genomic and Precision Medicine Research Unit, University of Cape Town).